The following is an entry in ClinVar:

ClinVar aggregate classification (germline): Uncertain significance. Review status: criteria provided, multiple submitters, no conflicts (2 of 4 stars). 2 submissions from 2 submitters: Uncertain significance (2). Last evaluated 2025-04-25.

Conditions:
Hereditary spastic paraplegia 11. Also called: SPASTIC PARAPLEGIA, AUTOSOMAL RECESSIVE, COMPLICATED, WITH THIN CORPUS CALLOSUM; SPASTIC PARAPLEGIA, AUTOSOMAL RECESSIVE, WITH MENTAL IMPAIRMENT AND THIN CORPUS CALLOSUM; Spastic paraplegia, mental retardation and thin corpus callosum; Spastic Paraplegia 11; Nakamura Osame syndrome; Autosomal recessive hereditary spastic paraplegia, mental impairment, and thin corpus callosum. Identifiers: Orphanet 2822, MedGen C1858479, MONDO:0011445, OMIM 604360.
Inborn genetic diseases. Identifiers: MedGen C0950123, MeSH D030342.

Allele frequency attached by ClinVar (database versions not stated): TOPMed below 0.00001.

Submissions (2):

Ambry Genetics
Classification: Uncertain significance for Inborn genetic diseases. Last evaluated: 2025-04-25. Review status: criteria provided, single submitter. Criteria: Ambry Variant Classification Scheme 2023. Collection method: clinical testing. Allele origin: germline.

Labcorp Genetics (formerly Invitae), Labcorp
Classification: Uncertain significance for Hereditary spastic paraplegia 11. Last evaluated: 2022-03-19. Review status: criteria provided, single submitter. Criteria: Invitae Variant Classification Sherloc (09022015). Collection method: clinical testing. Allele origin: germline.
Comment: This sequence change replaces glutamic acid, which is acidic and polar, with glycine, which is neutral and non-polar, at codon 444 of the SPG11 protein (p.Glu444Gly). This variant is not present in population databases (gnomAD no frequency). This variant has not been reported in the literature in individuals affected with SPG11-related conditions. Algorithms developed to predict the effect of missense changes on protein structure and function output the following: SIFT: "Tolerated"; PolyPhen-2: "Benign"; Align-GVGD: "Class C0". The glycine amino acid residue is found in multiple mammalian species, which suggests that this missense change does not adversely affect protein function. In summary, the available evidence is currently insufficient to determine the role of this variant in disease. Therefore, it has been classified as a Variant of Uncertain Significance.

NM_025137.4(SPG11):c.1331A>G (p.Glu444Gly)

Gene: SPG11 (SPG11 vesicle trafficking associated, spatacsin; minus strand). Cytogenetic location: 15q21.1.
Variant type: single nucleotide variant.
Coding change: c.1331A>G on transcript NM_025137.4 (MANE Select); coding-DNA position 1331, A replaced by G.
Protein change: p.Glu444Gly; replaces glutamic acid 444 with glycine.
Molecular consequence: missense variant.
Genome position (GRCh38, 1-based): chr15:44,651,616, T>C on the plus strand (A>G on the coding strand, the complement: SPG11 is on the minus strand). VCF-style: chr15-44651616-T-C. GRCh37 (hg19) VCF-style: chr15-44943814-T-C.
Other names: c.1331A>G, p.Glu444Gly (NM_001160227.2, NM_001411132.1); c.1331A>G (NM_025137.3); short protein forms E444G.
Identifiers: ClinVar variation 1898601 (VCV001898601.3), dbSNP rs1168881411, ClinGen allele CA392236078.